The following is an entry in ClinVar:

NM_000426.4(LAMA2):c.4301C>T (p.Ser1434Leu)

Gene: LAMA2 (laminin subunit alpha 2; plus strand). Cytogenetic location: 6q22.33.
Variant type: single nucleotide variant.
Coding change: c.4301C>T on transcript NM_000426.4 (MANE Select); coding-DNA position 4301, C replaced by T.
Protein change: p.Ser1434Leu; replaces serine 1434 with leucine.
Molecular consequence: missense variant.
Genome position (GRCh38, 1-based): chr6:129,328,402, C>T. VCF-style: chr6-129328402-C-T. GRCh37 (hg19) VCF-style: chr6-129649547-C-T.
Other names: c.4301C>T, p.Ser1434Leu (NM_001079823.2); short protein forms S1434L.
Identifiers: ClinVar variation 779799 (VCV000779799.52), dbSNP rs368379507, ClinGen allele CA3993500.
Genomic context (GRCh38, chr6:129,328,402, plus strand): 5'-TGGGCACCTGTGTTCCATGTCAATGTAATGGACACAGCAGCCTGTGTGACCCTGAAACAT[C>T]GATATGCCAGGTAGTCCTCTGAGCCTTCCTTGAACAAGGTCCATGTGCTCATTCCTCTTT-3'
Protein context (NP_000417.3, residues 1424-1444): GHSSLCDPET[Ser1434Leu]ICQNCQHHTA

ClinVar aggregate classification (germline): Conflicting classifications of pathogenicity. Review status: criteria provided, conflicting classifications (1 of 4 stars). 3 submissions from 3 submitters: Uncertain significance (1); Benign (1); Likely benign (1). Last evaluated 2025-12-30.

Conditions:
LAMA2-related muscular dystrophy (LAMA2-RD). Also called: Laminin alpha 2-related dystrophy. Identifiers: MedGen C5679788, MONDO:0100228.

Allele frequency attached by ClinVar (database versions not stated): TOPMed 0.00005; gnomAD 0.00006; ESP Exome Variant Server 0.00008; gnomAD exomes 0.00031; ExAC 0.00040; 1000 Genomes Project 30x 0.00078; 1000 Genomes Project 0.00080.
gnomAD v4.1: 324 of 1,614,102 alleles (0.02%); highest among the groups gnomAD compares: South Asian, 0.3%; 14 homozygotes.

Submissions (3):

Labcorp Genetics (formerly Invitae), Labcorp
Classification: Benign for LAMA2-related muscular dystrophy. Last evaluated: 2025-12-30. Review status: criteria provided, single submitter. Criteria: Invitae Variant Classification Sherloc (09022015). Collection method: clinical testing. Allele origin: germline.

CeGaT Center for Human Genetics Tuebingen
Classification: Likely benign. Last evaluated: 2025-09-01. Review status: criteria provided, single submitter. Criteria: CeGaT Center For Human Genetics Tuebingen Variant Classification Criteria Version 2. Collection method: clinical testing. Allele origin: germline. Affected: yes. Observed: 3 variant alleles.
Comment: LAMA2: BS2

GeneDx
Classification: Uncertain significance. Last evaluated: 2024-06-06. Review status: criteria provided, single submitter. Criteria: GeneDx Variant Classification Process June 2021. Collection method: clinical testing. Allele origin: germline. Affected: yes.
Comment: In silico analysis supports that this missense variant has a deleterious effect on protein structure/function; Has not been previously published as pathogenic or benign to our knowledge